The following is an entry in ClinVar:

NM_145054.5(CFAP52):c.69T>A (p.Asn23Lys)

Gene: CFAP52 (cilia and flagella associated protein 52; plus strand). Cytogenetic location: 17p13.1.
Variant type: single nucleotide variant.
Coding change: c.69T>A on transcript NM_145054.5 (MANE Select); coding-DNA position 69, T replaced by A.
Protein change: p.Asn23Lys; replaces asparagine 23 with lysine.
Molecular consequence: missense variant.
Genome position (GRCh38, 1-based): chr17:9,576,764, T>A. VCF-style: chr17-9576764-T-A. GRCh37 (hg19) VCF-style: chr17-9480081-T-A.
Other names: c.69T>A, p.Asn23Lys (NM_001080556.2); short protein forms N23K.
Identifiers: ClinVar variation 4763220 (VCV004763220.1).

ClinVar aggregate classification (germline): Uncertain significance (1 of 4 stars; one submission).

Conditions:
Situs inversus. Also called: Situs inversus totalis. Identifiers: Orphanet 101063, MedGen C4551493, MONDO:0010029, HP:0001696.

gnomAD v4.1: 1 of 1,611,566 alleles (0.000062%); highest among the groups gnomAD compares: Non-Finnish European, 0.000085%; no homozygotes.

Submission:

Labcorp Genetics (formerly Invitae), Labcorp
Classification: Uncertain significance for Situs inversus. Last evaluated: 2025-04-04. Review status: criteria provided, single submitter. Criteria: Invitae Variant Classification Sherloc (09022015). Collection method: clinical testing. Allele origin: germline.
Comment: This sequence change replaces asparagine, which is neutral and polar, with lysine, which is basic and polar, at codon 23 of the CFAP52 protein (p.Asn23Lys). This variant is present in population databases (rs776266650, gnomAD 0.007%). This variant has not been reported in the literature in individuals affected with CFAP52-related conditions. An algorithm developed to predict the effect of missense changes on protein structure and function (PolyPhen-2) suggests that this variant is likely to be tolerated. In summary, the available evidence is currently insufficient to determine the role of this variant in disease. Therefore, it has been classified as a Variant of Uncertain Significance.